The following is an entry in ClinVar:

ClinVar aggregate classification (germline): Uncertain significance (1 of 4 stars; one submission).

Conditions:
Neuropathy, hereditary sensory and autonomic, type 2A (HSAN2A). Also called: HSAN IIA; WNK1-Related HSAN2 (HSAN2A); ACROOSTEOLYSIS, GIACCAI TYPE; ACROOSTEOLYSIS, NEUROGENIC; MORVAN DISEASE; NEUROPATHY, CONGENITAL SENSORY. Identifiers: Orphanet 970, MedGen C2752089, MONDO:0024309, OMIM 201300.
Pseudohypoaldosteronism type 2C (PHA2C). Also called: Pseudohypoaldosteronism Type IIC. Identifiers: Orphanet 757, Orphanet 88940, MedGen C1840391, MONDO:0013778, OMIM 614492.

Allele frequency attached by ClinVar (database versions not stated): gnomAD exomes below 0.00001; TOPMed below 0.00001; gnomAD 0.00001.
gnomAD v4.1: 4 of 1,613,812 alleles (0.00025%); highest among the groups gnomAD compares: Non-Finnish European, 0.00025%; no homozygotes.

Submission:

Labcorp Genetics (formerly Invitae), Labcorp
Classification: Uncertain significance for Neuropathy, hereditary sensory and autonomic, type 2A; Pseudohypoaldosteronism type 2C. Last evaluated: 2023-05-31. Review status: criteria provided, single submitter. Criteria: Invitae Variant Classification Sherloc (09022015). Collection method: clinical testing. Allele origin: germline.
Comment: This sequence change replaces valine, which is neutral and non-polar, with glycine, which is neutral and non-polar, at codon 903 of the WNK1 protein (p.Val903Gly). This variant is not present in population databases (gnomAD no frequency). This variant has not been reported in the literature in individuals affected with WNK1-related conditions. Advanced modeling of protein sequence and biophysical properties (such as structural, functional, and spatial information, amino acid conservation, physicochemical variation, residue mobility, and thermodynamic stability) performed at Invitae indicates that this missense variant is not expected to disrupt WNK1 protein function. In summary, the available evidence is currently insufficient to determine the role of this variant in disease. Therefore, it has been classified as a Variant of Uncertain Significance.

NM_213655.5(WNK1):c.2708T>G (p.Val903Gly)

Gene: WNK1 (WNK lysine deficient protein kinase 1; plus strand). Cytogenetic location: 12p13.33.
Variant type: single nucleotide variant.
Coding change: c.2708T>G on transcript NM_213655.5 (MANE Plus Clinical); coding-DNA position 2708, T replaced by G.
Protein change: p.Val903Gly; replaces valine 903 with glycine.
Molecular consequence: missense variant. On other transcripts: intron variant (2).
Genome position (GRCh38, 1-based): chr12:868,179, T>G. VCF-style: chr12-868179-T-G. GRCh37 (hg19) VCF-style: chr12-977345-T-G.
Other names: c.2453T>G, p.Val818Gly (NM_001184985.2); c.2140-3086T>G (NM_018979.4, NM_014823.3); short protein forms V818G, V903G.
Identifiers: ClinVar variation 2923899 (VCV002923899.3), dbSNP rs1374891745, ClinGen allele CA383339451.